The following is an entry in ClinVar:

NM_001376.5(DYNC1H1):c.3619T>G (p.Ser1207Ala)

Gene: DYNC1H1 (dynein cytoplasmic 1 heavy chain 1; plus strand). Cytogenetic location: 14q32.31.
Variant type: single nucleotide variant.
Coding change: c.3619T>G on transcript NM_001376.5 (MANE Select); coding-DNA position 3619, T replaced by G.
Protein change: p.Ser1207Ala; replaces serine 1207 with alanine.
Molecular consequence: missense variant.
Genome position (GRCh38, 1-based): chr14:101,997,089, T>G. VCF-style: chr14-101997089-T-G. GRCh37 (hg19) VCF-style: chr14-102463426-T-G.
Other names: short protein forms S1207A.
Identifiers: ClinVar variation 3636136 (VCV003636136.2).

ClinVar aggregate classification (germline): Uncertain significance (1 of 4 stars; one submission).

Conditions:
Charcot-Marie-Tooth disease axonal type 2O. Also called: Charcot-Marie-Tooth disease, axonal, type 20; CHARCOT-MARIE-TOOTH NEUROPATHY, AXONAL, TYPE 2O; CHARCOT-MARIE-TOOTH DISEASE, AXONAL, AUTOSOMAL DOMINANT, TYPE 2O; Charcot-Marie-Tooth Neuropathy Type 2O. Identifiers: Orphanet 284232, MedGen C3280220, MONDO:0013644, OMIM 614228.

Submission:

Labcorp Genetics (formerly Invitae), Labcorp
Classification: Uncertain significance for Charcot-Marie-Tooth disease axonal type 2O. Last evaluated: 2025-01-23. Review status: criteria provided, single submitter. Criteria: Invitae Variant Classification Sherloc (09022015). Collection method: clinical testing. Allele origin: germline.
Comment: This sequence change replaces serine, which is neutral and polar, with alanine, which is neutral and non-polar, at codon 1207 of the DYNC1H1 protein (p.Ser1207Ala). This variant is not present in population databases (gnomAD no frequency). This variant has not been reported in the literature in individuals affected with DYNC1H1-related conditions. Invitae Evidence Modeling of protein sequence and biophysical properties (such as structural, functional, and spatial information, amino acid conservation, physicochemical variation, residue mobility, and thermodynamic stability) has been performed for this missense variant. However, the output from this modeling did not meet the statistical confidence thresholds required to predict the impact of this variant on DYNC1H1 protein function. In summary, the available evidence is currently insufficient to determine the role of this variant in disease. Therefore, it has been classified as a Variant of Uncertain Significance.